The following is an entry in ClinVar:

ClinVar aggregate classification (germline): Uncertain significance (1 of 4 stars; one submission).

Conditions:
Hereditary cancer-predisposing syndrome. Also called: Neoplastic Syndromes, Hereditary; Tumor predisposition; Hereditary neoplastic syndrome; Hereditary Cancer Syndrome. Identifiers: Orphanet 140162, MedGen C0027672, MeSH D009386, MONDO:0015356.

gnomAD v4.1: 1 of 1,614,082 alleles (0.000062%); no homozygotes.

Submission:

Ambry Genetics
Classification: Uncertain significance for Hereditary cancer-predisposing syndrome. Last evaluated: 2026-07-07. Review status: criteria provided, single submitter. Criteria: Ambry Variant Classification Scheme 2023. Collection method: clinical testing. Allele origin: germline.
Comment: The p.I318T variant (also known as c.953T>C), located in coding exon 8 of the SUFU gene, results from a T to C substitution at nucleotide position 953. The isoleucine at codon 318 is replaced by threonine, an amino acid with similar properties. This amino acid position is conserved. In addition, this alteration is predicted to be tolerated by in silico analysis. Based on the available evidence, the clinical significance of this variant remains unclear.

NM_016169.4(SUFU):c.953T>C (p.Ile318Thr)

Gene: SUFU (SUFU negative regulator of hedgehog signaling; plus strand). Cytogenetic location: 10q24.32.
Variant type: single nucleotide variant.
Coding change: c.953T>C on transcript NM_016169.4 (MANE Select); coding-DNA position 953, T replaced by C.
Protein change: p.Ile318Thr; replaces isoleucine 318 with threonine.
Molecular consequence: missense variant.
Genome position (GRCh38, 1-based): chr10:102,599,475, T>C. VCF-style: chr10-102599475-T-C. GRCh37 (hg19) VCF-style: chr10-104359232-T-C.
Other names: c.953T>C, p.Ile318Thr (NM_001178133.2); short protein forms I318T.
Identifiers: ClinVar variation 5030385 (VCV005030385.1).